The following is an entry in ClinVar:

NM_001128431.4(SLC39A14):c.8TGC[6] (p.Leu6_His7insLeuLeu)

Gene: SLC39A14 (solute carrier family 39 member 14; plus strand). Cytogenetic location: 8p21.3.
Variant type: Microsatellite.
Coding change: c.8TGC[6] on transcript NM_001128431.4 (MANE Select); six copies in a row of the 3-base unit TGC starting at c.8; the reference has four copies in a row; two copies, 6 bases duplicated.
Protein change: p.Leu6_His7insLeuLeu.
Molecular consequence: inframe insertion.
Genome position (GRCh38, 1-based): chr8:22,404,724-22,404,729, TGCTGC duplicated; duplicating any 6 consecutive bases within chr8:22,404,716-22,404,729 gives the same sequence; the position shown is the placement nearest the transcript's 3' end. VCF-style (leftmost placement, unchanged base first): chr8-22404715-A-AGCTGCT. GRCh37 (hg19) VCF-style: chr8-22262228-A-AGCTGCT.
Other names: c.8TGC[6], p.Leu6_His7insLeuLeu (NM_001135154.3, NM_001351655.2, NM_001351656.2 and 3 more transcripts); c.38TGC[6], p.Leu16_His17insLeuLeu (NM_001351657.2, NM_001351658.2, NM_001351659.2).
Identifiers: ClinVar variation 2820995 (VCV002820995.3), dbSNP rs3052256, ClinGen allele CA2716640113.
Genomic context (GRCh38, chr8:22,404,715, plus strand): 5'-CAGGGAGAGGCCTCAGCTTCACCTGCCTTTTTCTCTCACAGGTTTATTCAGTCACCATGA[A>AGCTGCT]GCTGCTGCTGCTGCACCCGGCCTTCCAGAGCTGCCTCCTGCTGACCCTGCTTGGCTTATG-3'

ClinVar aggregate classification (germline): Uncertain significance (1 of 4 stars; one submission).

Submission:

Labcorp Genetics (formerly Invitae), Labcorp
Classification: Uncertain significance. Last evaluated: 2023-06-29. Review status: criteria provided, single submitter. Criteria: Invitae Variant Classification Sherloc (09022015). Collection method: clinical testing. Allele origin: germline.
Comment: In summary, the available evidence is currently insufficient to determine the role of this variant in disease. Therefore, it has been classified as a Variant of Uncertain Significance. This variant has not been reported in the literature in individuals affected with SLC39A14-related conditions. This variant is not present in population databases (gnomAD no frequency). This variant, c.14_19dup, results in the insertion of 2 amino acid(s) of the SLC39A14 protein (p.Leu5_Leu6dup), but otherwise preserves the integrity of the reading frame.